The following is an entry in ClinVar:

ClinVar aggregate classification (germline): Likely pathogenic (1 of 4 stars; one submission).

Conditions:
Greig cephalopolysyndactyly syndrome (GCPS). Also called: POLYSYNDACTYLY WITH PECULIAR SKULL SHAPE; Greig syndrome; GLI3-Related Greig Cephalopolysyndactyly Syndrome. Identifiers: Orphanet 380, MedGen C0265306, MONDO:0008287, OMIM 175700.
Pallister-Hall syndrome (PHS). Also called: HYPOTHALAMIC HAMARTOBLASTOMA, HYPOPITUITARISM, IMPERFORATE ANUS, AND POSTAXIAL POLYDACTYLY; GLI3-Related Pallister-Hall Syndrome. Identifiers: Orphanet 672, MedGen C0265220, MONDO:0007804, OMIM 146510.

Submission:

Labcorp Genetics (formerly Invitae), Labcorp
Classification: Likely pathogenic for Pallister-Hall syndrome; Greig cephalopolysyndactyly syndrome. Last evaluated: 2022-03-14. Review status: criteria provided, single submitter. Criteria: Invitae Variant Classification Sherloc (09022015). Collection method: clinical testing. Allele origin: germline.
Comment: In summary, the currently available evidence indicates that the variant is pathogenic, but additional data are needed to prove that conclusively. Therefore, this variant has been classified as Likely Pathogenic. This variant has not been reported in the literature in individuals affected with GLI3-related conditions. This variant results in a copy number gain of the genomic region encompassing exon(s) 7-12 of the GLI3 gene. While the exact position of this variant cannot be determined from the data, sub-genic copy number gains are generally in tandem (PMID: 25640679). This variant is predicted to be out-of-frame, and may result in an absent or disrupted protein product. Loss-of-function variants in GLI3 are known to be pathogenic (PMID: 10441570, 15739154, 18000979, 24736735).

Literature cited by the submitters: PubMed 25640679; PubMed 10441570; PubMed 15739154; PubMed 18000979; PubMed 24736735.

NC_000007.13:g.(?_42017137)_(42079858_?)dup

Gene: GLI3 (GLI family zinc finger 3; minus strand). Cytogenetic location: 7p14.1.
Variant type: Duplication.
Identifiers: ClinVar variation 2422508 (VCV002422508.4).